The following is an entry in ClinVar:

ClinVar aggregate classification (germline): Uncertain significance. Review status: criteria provided, multiple submitters, no conflicts (2 of 4 stars). 2 submissions from 2 submitters: Uncertain significance (2). Last evaluated 2024-03-07.

Conditions:
Hereditary cancer-predisposing syndrome. Also called: Neoplastic Syndromes, Hereditary; Tumor predisposition; Hereditary Cancer Syndrome; Hereditary neoplastic syndrome. Identifiers: Orphanet 140162, MedGen C0027672, MeSH D009386, MONDO:0015356.

Submissions (2):

Color Diagnostics, LLC DBA Color Health
Classification: Uncertain significance for Hereditary cancer-predisposing syndrome. Last evaluated: 2024-03-07. Review status: criteria provided, single submitter. Criteria: ACMG Guidelines, 2015. Collection method: clinical testing. Allele origin: germline.
Comment: This missense variant replaces glutamine with lysine at codon 1928 of the APC protein. Computational prediction suggests that this variant may not impact protein structure and function (internally defined REVEL score threshold <= 0.5, PMID: 27666373). To our knowledge, functional studies have not been reported for this variant. This variant has not been reported in individuals affected with hereditary cancer in the literature. This variant has not been identified in the general population by the Genome Aggregation Database (gnomAD). The available evidence is insufficient to determine the role of this variant in disease conclusively. Therefore, this variant is classified as a Variant of Uncertain Significance.

Ambry Genetics
Classification: Uncertain significance for Hereditary cancer-predisposing syndrome. Last evaluated: 2023-11-19. Review status: criteria provided, single submitter. Criteria: Ambry Variant Classification Scheme 2023. Collection method: clinical testing. Allele origin: germline.
Comment: The p.Q1928K variant (also known as c.5782C>A), located in coding exon 15 of the APC gene, results from a C to A substitution at nucleotide position 5782. The glutamine at codon 1928 is replaced by lysine, an amino acid with similar properties. This amino acid position is conserved. In addition, in silico predictors for this gene do not accurately predict pathogenicity. Since supporting evidence is limited at this time, the clinical significance of this alteration remains unclear.

NM_000038.6(APC):c.5782C>A (p.Gln1928Lys)

Gene: APC (APC regulator of Wnt signaling pathway; plus strand). Cytogenetic location: 5q22.2.
Variant type: single nucleotide variant.
Coding change: c.5782C>A on transcript NM_000038.6 (MANE Select); coding-DNA position 5782, C replaced by A.
Protein change: p.Gln1928Lys; replaces glutamine 1928 with lysine.
Molecular consequence: missense variant. On other transcripts: non-coding transcript variant (2).
Genome position (GRCh38, 1-based): chr5:112,841,376, C>A. VCF-style: chr5-112841376-C-A. GRCh37 (hg19) VCF-style: chr5-112177073-C-A.
Other names: c.5782C>A (NM_000038.5); c.5782C>A, p.Gln1928Lys (NM_001127510.3, NM_001354895.2, NM_001407450.1); c.5728C>A, p.Gln1910Lys (NM_001127511.3); c.5836C>A, p.Gln1946Lys (NM_001354896.2, NM_001407447.1, NM_001407448.1 and 1 more transcripts); c.5812C>A, p.Gln1938Lys (NM_001354897.2); c.5707C>A, p.Gln1903Lys (NM_001354898.2); c.5698C>A, p.Gln1900Lys (NM_001354899.2); c.5659C>A, p.Gln1887Lys (NM_001354900.2); and 12 more; short protein forms Q1544K, Q1768K, Q1827K, Q1900K, Q1910K, Q1921K, Q1845K, Q1946K.
Identifiers: ClinVar variation 2775358 (VCV002775358.3), dbSNP rs1186128913, ClinGen allele CA16033979.